The following is an entry in ClinVar:

ClinVar aggregate classification (germline): Uncertain significance. Review status: criteria provided, multiple submitters, no conflicts (2 of 4 stars). 2 submissions from 2 submitters: Uncertain significance (2). Last evaluated 2026-04-17.

Conditions:
PCARE-related disorder. Also called: PCARE-related condition.

Allele frequency attached by ClinVar (database versions not stated): ExAC 0.00002; gnomAD exomes 0.00002 and 0.00005; TOPMed 0.00002.
gnomAD v4.1: 13 of 1,614,134 alleles (0.00081%); highest among the groups gnomAD compares: Admixed American, 0.022%; no homozygotes.

Submissions (2):

PreventionGenetics, part of Exact Sciences
Classification: Uncertain significance for PCARE-related condition. Last evaluated: 2026-04-17. Review status: criteria provided, single submitter. Criteria: ACMG Guidelines, 2015. Collection method: clinical testing. Allele origin: germline.
Comment: The PCARE c.2455C>A variant is predicted to result in the amino acid substitution p.Leu819Ile. To our knowledge, this variant has not been reported in the literature. This variant is present in 0.035% of alleles in individuals of Latino descent in gnomAD. At this time, the clinical significance of this variant is uncertain due to the absence of conclusive functional and genetic evidence.

Labcorp Genetics (formerly Invitae), Labcorp
Classification: Uncertain significance. Last evaluated: 2025-03-13. Review status: criteria provided, single submitter. Criteria: Invitae Variant Classification Sherloc (09022015). Collection method: clinical testing. Allele origin: germline.
Comment: This sequence change replaces leucine, which is neutral and non-polar, with isoleucine, which is neutral and non-polar, at codon 819 of the PCARE protein (p.Leu819Ile). This variant is present in population databases (rs773377902, gnomAD 0.04%). This variant has not been reported in the literature in individuals affected with PCARE-related conditions. ClinVar contains an entry for this variant (Variation ID: 1370680). An algorithm developed to predict the effect of missense changes on protein structure and function outputs the following: PolyPhen-2: "Benign". The isoleucine amino acid residue is found in multiple mammalian species, which suggests that this missense change does not adversely affect protein function. In summary, the available evidence is currently insufficient to determine the role of this variant in disease. Therefore, it has been classified as a Variant of Uncertain Significance.

NM_001029883.3(PCARE):c.2455C>A (p.Leu819Ile)

Gene: PCARE (photoreceptor cilium actin regulator; minus strand). Cytogenetic location: 2p23.2.
Variant type: single nucleotide variant.
Coding change: c.2455C>A on transcript NM_001029883.3 (MANE Select); coding-DNA position 2455, C replaced by A.
Protein change: p.Leu819Ile; replaces leucine 819 with isoleucine.
Molecular consequence: missense variant.
Genome position (GRCh38, 1-based): chr2:29,071,807, G>T on the plus strand (C>A on the coding strand, the complement: PCARE is on the minus strand). VCF-style: chr2-29071807-G-T. GRCh37 (hg19) VCF-style: chr2-29294673-G-T.
Other names: c.2455C>A (NM_001029883.2); short protein forms L819I.
Identifiers: ClinVar variation 1370680 (VCV001370680.9), dbSNP rs773377902, ClinGen allele CA1592202.